The following is an entry in ClinVar:

ClinVar aggregate classification (germline): Benign. Review status: criteria provided, multiple submitters, no conflicts (2 of 4 stars). 7 submissions from 6 submitters: Benign (6). 1 of the submissions does not count toward it. Last evaluated 2023-04-11.

Conditions:
Developmental and epileptic encephalopathy, 15 (DEE15). Also called: Early infantile epileptic encephalopathy 15. Identifiers: Orphanet 3451, MedGen C3554316, MONDO:0014003, OMIM 615006.
Intellectual developmental disorder, autosomal recessive 12. Also called: Intellectual disability, autosomal recessive 12. Identifiers: Orphanet 88616, MedGen C1970200, MONDO:0012612, OMIM 611090.

Allele frequency attached by ClinVar (database versions not stated): 1000 Genomes Project 0.23642; 1000 Genomes Project 30x 0.23969; gnomAD exomes 0.28871 and 0.31190; TOPMed 0.31582; gnomAD 0.31678 and 0.32581; ESP Exome Variant Server 0.33529; ExAC 0.34764.
gnomAD v4.1: 298,690 of 954,350 alleles (31%); highest among the groups gnomAD compares: Non-Finnish European, 35%; 50,063 homozygotes.

Submissions (7):

Genome-Nilou Lab
Classification: Benign for Developmental and epileptic encephalopathy, 15. Last evaluated: 2023-04-11. Review status: criteria provided, single submitter. Criteria: ACMG Guidelines, 2015. Collection method: clinical testing. Allele origin: germline. Affected: no.

Genome-Nilou Lab
Classification: Benign for Intellectual developmental disorder, autosomal recessive 12. Last evaluated: 2023-04-11. Review status: criteria provided, single submitter. Criteria: ACMG Guidelines, 2015. Collection method: clinical testing. Allele origin: germline. Affected: no.

GeneDx
Classification: Benign. Last evaluated: 2018-09-05. Review status: criteria provided, single submitter. Criteria: GeneDx Variant Classification Process June 2021. Collection method: clinical testing. Allele origin: germline. Affected: yes.

Athena Diagnostics
Classification: Benign. Last evaluated: 2017-04-20. Review status: criteria provided, single submitter. Criteria: Athena Diagnostics Criteria. Collection method: clinical testing. Allele origin: germline.

Breakthrough Genomics
Classification: Benign. Review status: criteria provided, single submitter. Criteria: ACMG Guidelines, 2015. Collection method: not provided. Allele origin: germline. Inheritance: Autosomal recessive inheritance. Affected: yes.

PreventionGenetics, part of Exact Sciences
Classification: Benign. Review status: criteria provided, single submitter. Criteria: ACMG Guidelines, 2015. Collection method: clinical testing. Allele origin: germline.

Genetic Services Laboratory, University of Chicago
Classification: Likely benign for AllHighlyPenetrant. Review status: no assertion criteria provided. Collection method: clinical testing. Allele origin: germline. Inheritance: Autosomal recessive inheritance. Not counted in ClinVar's aggregate classification.
Comment: Likely benign based on allele frequency in 1000 Genomes Project or ESP global frequency and its presence in a patient with a rare or unrelated disease phenotype. NOT Sanger confirmed.

NM_006279.5(ST3GAL3):c.209+9925A>G

Gene: ST3GAL3 (ST3 beta-galactoside alpha-2,3-sialyltransferase 3; plus strand). Cytogenetic location: 1p34.1.
Variant type: single nucleotide variant.
Coding change: c.209+9925A>G on transcript NM_006279.5 (MANE Select); 9925 bases into the intron after coding-DNA position 209, A replaced by G.
Molecular consequence: intron variant. On other transcripts: missense variant (4).
Genome position (GRCh38, 1-based): chr1:43,824,858, A>G. VCF-style: chr1-43824858-A-G. GRCh37 (hg19) VCF-style: chr1-44290530-A-G.
Other names: c.337A>G, p.Thr113Ala (NM_001363573.2, NM_174968.5); c.382A>G, p.Thr128Ala (NM_174963.5); c.289A>G, p.Thr97Ala (NM_174971.5); c.254+9925A>G (NM_001350619.2, NM_174964.4, NM_174965.4); c.206+9925A>G (NM_001270465.3, NM_001270463.3); c.-245+9925A>G (NM_001350621.2); c.209+9925A>G (NM_001350620.2, NM_001270459.2, NM_174966.4 and 2 more transcripts); c.161+9925A>G (NM_174969.4, NM_001270461.3, NM_001270464.3 and 3 more transcripts); short protein forms T128A, T113A, T97A.
Identifiers: ClinVar variation 130378 (VCV000130378.12), dbSNP rs37458, ClinGen allele CA155296.
Genomic context (GRCh38, chr1:43,824,858, plus strand): 5'-AAAAAATTACTGATGCCTGCATCCCACCCTCTAGAGATTTTGAAGTCACTGAGCGAGGAC[A>G]CAGCCTTTGCATTAGGATTTTTAAAGCTGCCCAGGTGAGTCTAATATGCAGCCAAATTGA-3'